The following is an entry in ClinVar:

NM_000390.4(CHM):c.569C>A (p.Ser190Ter)

Gene: CHM (CHM Rab escort protein; minus strand). Cytogenetic location: Xq21.2.
Variant type: single nucleotide variant.
Coding change: c.569C>A on transcript NM_000390.4 (MANE Select); coding-DNA position 569, C replaced by A.
Protein change: p.Ser190Ter; replaces serine 190 with a stop codon.
Molecular consequence: nonsense.
Genome position (GRCh38, 1-based): chrX:85,963,798, G>T on the plus strand (C>A on the coding strand, the complement: CHM is on the minus strand). VCF-style: chrX-85963798-G-T. GRCh37 (hg19) VCF-style: chrX-85218803-G-T.
Other names: c.125C>A, p.Ser42Ter (NM_001320959.1, NM_001362517.1, NM_001362518.2 and 1 more transcripts); short protein forms S190*, S42*.
Identifiers: ClinVar variation 3627312 (VCV003627312.2).

ClinVar aggregate classification (germline): Pathogenic (1 of 4 stars; one submission).

Submission:

Labcorp Genetics (formerly Invitae), Labcorp
Classification: Pathogenic. Last evaluated: 2024-01-25. Review status: criteria provided, single submitter. Criteria: Invitae Variant Classification Sherloc (09022015). Collection method: clinical testing. Allele origin: germline.
Comment: This sequence change creates a premature translational stop signal (p.Ser190*) in the CHM gene. It is expected to result in an absent or disrupted protein product. Loss-of-function variants in CHM are known to be pathogenic (PMID: 9067750, 23811034). This variant is not present in population databases (gnomAD no frequency). This premature translational stop signal has been observed in individual(s) with choroideremia (PMID: 12203991). For these reasons, this variant has been classified as Pathogenic.

Literature cited by the submitters: PubMed 9067750; PubMed 23811034; PubMed 12203991.